The following is an entry in ClinVar:

ClinVar aggregate classification (germline): Uncertain significance (1 of 4 stars; one submission).

Allele frequency attached by ClinVar (database versions not stated): gnomAD exomes 0.00001; ExAC 0.00026.

Submission:

Labcorp Genetics (formerly Invitae), Labcorp
Classification: Uncertain significance. Last evaluated: 2021-02-23. Review status: criteria provided, single submitter. Criteria: Invitae Variant Classification Sherloc (09022015). Collection method: clinical testing. Allele origin: germline.
Comment: This variant has not been reported in the literature in individuals with ALPK3-related conditions. This sequence change replaces glycine with glutamic acid at codon 118 of the ALPK3 protein (p.Gly118Glu). The glycine residue is weakly conserved and there is a moderate physicochemical difference between glycine and glutamic acid. While this variant is present in population databases (rs760781429), the frequency information is unreliable, as metrics indicate poor data quality at this position in the ExAC database. Algorithms developed to predict the effect of missense changes on protein structure and function are either unavailable or do not agree on the potential impact of this missense change (SIFT: "Tolerated"; PolyPhen-2: "Probably Damaging"; Align-GVGD: "Class C0"). In summary, the available evidence is currently insufficient to determine the role of this variant in disease. Therefore, it has been classified as a Variant of Uncertain Significance.

NC_000015.10:g.84817199G>A

Gene: ALPK3 (alpha kinase 3; plus strand). Cytogenetic location: 15q25.3.
Variant type: single nucleotide variant.
Genome position: GRCh38 VCF-style: chr15-84817199-G-A. GRCh37 (hg19) VCF-style: chr15-85360430-G-A.
Identifiers: ClinVar variation 1411612 (VCV001411612.8), dbSNP rs760781429, ClinGen allele CA7708834.